The following is an entry in ClinVar:

NM_015100.4(POGZ):c.229C>T (p.Gln77Ter)

Gene: POGZ (pogo transposable element derived with ZNF domain; minus strand). Cytogenetic location: 1q21.3.
Variant type: single nucleotide variant.
Coding change: c.229C>T on transcript NM_015100.4 (MANE Select); coding-DNA position 229, C replaced by T.
Protein change: p.Gln77Ter; replaces glutamine 77 with a stop codon.
Molecular consequence: nonsense. On other transcripts: intron variant (2).
Genome position (GRCh38, 1-based): chr1:151,440,982, G>A on the plus strand (C>T on the coding strand, the complement: POGZ is on the minus strand). VCF-style: chr1-151440982-G-A. GRCh37 (hg19) VCF-style: chr1-151413458-G-A.
Other names: c.229C>T, p.Gln77Ter (NM_001194937.2, NM_145796.4); c.124+1099C>T (NM_001194938.2, NM_207171.2); short protein forms Q77*.
Identifiers: ClinVar variation 1307365 (VCV001307365.2), dbSNP rs2102364582, ClinGen allele CA341985632.
Genomic context (GRCh38, chr1:151,440,982, plus strand): 5'-ACTTACCATTGTTGTTGGCAATTAGTGTGACAAGAGTCTTCTTTGTACTGTCGCTGTTCT[G>A]TGCCCCGCTGCTACTAACGGTGGTGGATGTAGAGAGGTGCCCAGCAACAGAAGCATGGGC-3'

ClinVar aggregate classification (germline): Uncertain significance (1 of 4 stars; one submission).

Submission:

GeneDx
Classification: Uncertain significance. Last evaluated: 2019-09-13. Review status: criteria provided, single submitter. Criteria: GeneDx Variant Classification Process June 2021. Collection method: clinical testing. Allele origin: germline. Affected: yes.
Comment: Nonsense variant predicted to result in protein truncation or nonsense mediated decay in a gene for which loss-of-function is a known mechanism of disease; Not observed in large population cohorts (Lek et al., 2016); Has not been previously published as pathogenic or benign to our knowledge